The following is an entry in ClinVar:

NM_001130987.2(DYSF):c.1475_1477del (p.Arg492del)

Gene: DYSF (dysferlin; plus strand). Cytogenetic location: 2p13.2.
Variant type: Deletion.
Coding change: c.1475_1477del on transcript NM_001130987.2 (MANE Select); coding-DNA positions 1475 to 1477, 3 bases deleted (GGA; older notation c.1475_1477delGGA).
Protein change: p.Arg492del; deletes arginine 492.
Molecular consequence: inframe deletion.
Genome position (GRCh38, 1-based): chr2:71,535,293-71,535,295, GGA deleted; deleting any 3 consecutive bases within chr2:71,535,291-71,535,295 gives the same sequence; the c. name uses the placement nearest the transcript's 3' end. VCF-style (leftmost placement, unchanged base first): chr2-71535290-TGAG-T. GRCh37 (hg19) VCF-style: chr2-71762420-TGAG-T.
Other names: c.1382_1384del, p.Arg461del (NM_001130455.2, NM_001130983.2, NM_001130984.2 and 1 more transcripts); c.1379_1381del, p.Arg460del (NM_001130976.2, NM_001130977.2, NM_001130978.2 and 1 more transcripts); c.1472_1474del, p.Arg491del (NM_001130979.2, NM_001130980.2, NM_001130981.2); c.1475_1477del, p.Arg492del (NM_001130982.2, NM_001130985.2); c.1379_1381del (NM_003494.3); short protein forms R491del, R460del, R461del, R492del.
Identifiers: ClinVar variation 1516735 (VCV001516735.12), dbSNP rs2152761340, ClinGen allele CA2573135846.

ClinVar aggregate classification (germline): Likely pathogenic. Review status: criteria provided, multiple submitters, no conflicts (2 of 4 stars). 4 submissions from 4 submitters: Likely pathogenic (3). 1 of the submissions does not count toward it. Last evaluated 2025-03-25.

Conditions:
Neuromuscular disease caused by qualitative or quantitative defects of dysferlin. Also called: Dysferlinopathy; Qualitative or quantitative defects of dysferlin. Identifiers: Orphanet 207073, MedGen C2931687, MONDO:0016145.
Miyoshi muscular dystrophy 1 (MMD1). Identifiers: Orphanet 45448, MedGen C4551973, MONDO:0024545, OMIM 254130.
Autosomal recessive limb-girdle muscular dystrophy type 2B (LGMDR2). Also called: MUSCULAR DYSTROPHY, LIMB-GIRDLE, TYPE 3; Limb-girdle muscular dystrophy, type 2B; Limb-Girdle Muscular Dystrophy Type 2B (LGMD2B); MUSCULAR DYSTROPHY, LIMB-GIRDLE, AUTOSOMAL RECESSIVE 2. Identifiers: Orphanet 268, MedGen C1850889, MONDO:0009676, OMIM 253601.

Submissions (4):

Natera, Inc.
Classification: Likely pathogenic for Limb-girdle muscular dystrophy type 2B. Last evaluated: 2025-03-25. Review status: criteria provided, single submitter. Criteria: Natera Variant Classification Schema (03/2026). Collection method: clinical testing. Allele origin: germline.
Comment: The c.1379_1381del variant in DYSF is an in-frame deletion predicted to remove arginine at amino acid 460 while preserving the reading frame. This variant is rare in the general population with a frequency below the threshold expected for the associated phenotype(s). This variant has been observed in one or more individuals affected with the associated recessive disease, as either homozygous or compound heterozygous with a second variant (PMID: 21392994). This variant results in a change to the protein length while preserving reading frame, which may disrupt normal protein structure or function. Computational prediction algorithms indicate this variant is likely to affect gene or protein function. Given the available evidence, this variant is classified as Likely Pathogenic.

Labcorp Genetics (formerly Invitae), Labcorp
Classification: Likely pathogenic for Neuromuscular disease caused by qualitative or quantitative defects of dysferlin. Last evaluated: 2023-06-13. Review status: criteria provided, single submitter. Criteria: Invitae Variant Classification Sherloc (09022015). Collection method: clinical testing. Allele origin: germline.
Comment: In summary, the currently available evidence indicates that the variant is pathogenic, but additional data are needed to prove that conclusively. Therefore, this variant has been classified as Likely Pathogenic. Algorithms developed to predict the effect of sequence changes on RNA splicing suggest that this variant may disrupt the consensus splice site. ClinVar contains an entry for this variant (Variation ID: 1516735). This variant has been observed in individual(s) with clinical features of dysferlinopathy (PMID: 21392994, 27647186, 34559919). This variant is not present in population databases (gnomAD no frequency). This variant, c.1379_1381del, results in the deletion of 1 amino acid(s) of the DYSF protein (p.Arg460del), but otherwise preserves the integrity of the reading frame.

Baylor Genetics
Classification: Likely pathogenic for Miyoshi muscular dystrophy 1. Last evaluated: 2023-03-16. Review status: criteria provided, single submitter. Criteria: ACMG Guidelines, 2015. Collection method: clinical testing. Allele origin: unknown.

Revvity Omics, Revvity
Classification: Uncertain significance. Last evaluated: 2024-07-01. Review status: flagged submission. Criteria: ACMG Guidelines, 2015. Collection method: clinical testing. Allele origin: germline. Not counted in ClinVar's aggregate classification.
ClinVar note: Reason: Claim with insufficient supporting evidence

Literature cited by the submitters: PubMed 21392994 (cited by Natera, Inc. and Labcorp Genetics (formerly Invitae), Labcorp); PubMed 27647186 (cited by Labcorp Genetics (formerly Invitae), Labcorp); PubMed 34559919 (cited by Labcorp Genetics (formerly Invitae), Labcorp).